The following is an entry in ClinVar:

NC_012920.1(MT-ND2):m.4745A>T

Gene: MT-ND2 (mitochondrially encoded NADH dehydrogenase 2; plus strand).
Variant type: single nucleotide variant.
Genome position: chrM-4745-A-T.
Identifiers: ClinVar variation 692494 (VCV000692494.1), dbSNP rs1556422896, ClinGen allele CA414775596.

ClinVar aggregate classification (germline): Uncertain significance (1 of 4 stars; one submission).

Conditions:
Leigh syndrome (NULS). Also called: Leigh's necrotizing encephalopathy; Leigh's disease; Leigh Syndrome (mtDNA deletion); Leigh Disease; Subacute necrotizing encephalopathy; Necrotizing encephalopathy infantile subacute of Leigh. Identifiers: Orphanet 506, MedGen C2931891, MONDO:0009723, OMIM 256000.

Submission:

Wong Mito Lab, Molecular and Human Genetics, Baylor College of Medicine
Classification: Uncertain significance for Leigh syndrome. Last evaluated: 2019-10-17. Review status: criteria provided, single submitter. Criteria: Modified ACMG Guidelines (Unpublished). Collection method: clinical testing. Allele origin: germline.
Comment: The NC_012920.1:m.4745A>T (YP_003024027.1:p.Gln92His) variant in MTND2 gene is interpretated to be a Uncertain Significance variant based on the modified ACMG guidelines (unpublished). This variant meets the following evidence codes: PP4